The following is an entry in ClinVar:

ClinVar aggregate classification (germline): Uncertain significance (1 of 4 stars; one submission).

Submission:

CeGaT Center for Human Genetics Tuebingen
Classification: Uncertain significance. Last evaluated: 2025-08-01. Review status: criteria provided, single submitter. Criteria: CeGaT Center For Human Genetics Tuebingen Variant Classification Criteria Version 2. Collection method: clinical testing. Allele origin: germline. Affected: yes. Observed: 1 variant allele.
Comment: CRELD1: PM2

NM_001077415.3(CRELD1):c.841T>A (p.Cys281Ser)

Gene: CRELD1 (CRELD disulfide isomerase 1; plus strand). Cytogenetic location: 3p25.3.
Variant type: single nucleotide variant.
Coding change: c.841T>A on transcript NM_001077415.3 (MANE Select); coding-DNA position 841, T replaced by A.
Protein change: p.Cys281Ser; replaces cysteine 281 with serine.
Molecular consequence: missense variant. On other transcripts: non-coding transcript variant (3).
Genome position (GRCh38, 1-based): chr3:9,943,100, T>A. VCF-style: chr3-9943100-T-A. GRCh37 (hg19) VCF-style: chr3-9984784-T-A.
Other names: c.841T>A, p.Cys281Ser (NM_001031717.4, NM_001374316.1, NM_001374317.1 and 3 more transcripts); c.757T>A, p.Cys253Ser (NM_001374319.1, NM_001374320.1); short protein forms C253S, C281S.
Identifiers: ClinVar variation 4084946 (VCV004084946.8).